The following is an entry in ClinVar:

ClinVar aggregate classification (germline): Likely benign. Review status: criteria provided, multiple submitters, no conflicts (2 of 4 stars). 3 submissions from 3 submitters: Likely benign (3). Last evaluated 2026-01-01.

Conditions:
Hypercholesterolemia, autosomal dominant, type B (FHCL2). Also called: Familial Hypercholesterolemia Type B; APOLIPOPROTEIN B-100, FAMILIAL DEFECTIVE; APOLIPOPROTEIN B-100, FAMILIAL LIGAND-DEFECTIVE; Familial hypercholesterolemia 2; HYPERCHOLESTEROLEMIA, FAMILIAL, DUE TO LIGAND-DEFECTIVE APOLIPOPROTEIN B; Hyperlipoproteinemia Type IIb. Identifiers: MedGen C1704417, MONDO:0007751, OMIM 144010.
Familial hypobetalipoproteinemia 1. Also called: APOB-Related Familial Hypobetalipoproteinemia; Hypobetalipoproteinemia, normotriglyceridemic; Acanthocytosis with hypobetalipoproteinemia. Identifiers: MedGen C4551990, MONDO:0014252, OMIM 615558.
Familial hypercholesterolemia. Also called: Familial hypercholesterolemias; Familial hypercholesterolaemia. Identifiers: MedGen C0020445, MONDO:0005439.

Allele frequency attached by ClinVar (database versions not stated): gnomAD exomes below 0.00001.
gnomAD v4.1: 1 of 1,614,012 alleles (0.000062%); highest among the groups gnomAD compares: Non-Finnish European, 0.000085%; no homozygotes.

Submissions (3):

CeGaT Center for Human Genetics Tuebingen
Classification: Likely benign. Last evaluated: 2026-01-01. Review status: criteria provided, single submitter. Criteria: CeGaT Center For Human Genetics Tuebingen Variant Classification Criteria Version 2. Collection method: clinical testing. Allele origin: germline. Affected: yes. Observed: 1 variant allele.
Comment: APOB: BP4, BP7

Labcorp Genetics (formerly Invitae), Labcorp
Classification: Likely benign for Familial hypobetalipoproteinemia 1; Hypercholesterolemia, autosomal dominant, type B. Last evaluated: 2023-12-22. Review status: criteria provided, single submitter. Criteria: Invitae Variant Classification Sherloc (09022015). Collection method: clinical testing. Allele origin: germline.

Color Diagnostics, LLC DBA Color Health
Classification: Likely benign for Familial hypercholesterolemia. Last evaluated: 2022-11-21. Review status: criteria provided, single submitter. Criteria: ACMG Guidelines, 2015. Collection method: clinical testing. Allele origin: germline.

NM_000384.3(APOB):c.10581G>C (p.Arg3527=)

Gene: APOB (apolipoprotein B; minus strand). Cytogenetic location: 2p24.1.
Variant type: single nucleotide variant.
Coding change: c.10581G>C on transcript NM_000384.3 (MANE Select); coding-DNA position 10581, G replaced by C.
Protein change: p.Arg3527=; no amino-acid change (arginine 3527 retained).
Molecular consequence: synonymous variant.
Genome position (GRCh38, 1-based): chr2:21,006,287, C>G on the plus strand (G>C on the coding strand, the complement: APOB is on the minus strand). VCF-style: chr2-21006287-C-G. GRCh37 (hg19) VCF-style: chr2-21229159-C-G.
Identifiers: ClinVar variation 2773803 (VCV002773803.9), dbSNP rs1663135017, ClinGen allele CA425343444.